The following is an entry in ClinVar:

ClinVar aggregate classification (germline): Pathogenic/Likely pathogenic. Review status: criteria provided, multiple submitters, no conflicts (2 of 4 stars). 3 submissions from 3 submitters: Pathogenic (2); Likely pathogenic (1). Last evaluated 2025-02-12.

Conditions:
Interstitial lung disease due to ABCA3 deficiency. Also called: PULMONARY ALVEOLAR PROTEINOSIS, CONGENITAL, 3. Identifiers: Orphanet 440402, MedGen C1970456, MONDO:0012582, OMIM 610921.

gnomAD v4.1: 2 of 1,614,044 alleles (0.00012%); highest among the groups gnomAD compares: Non-Finnish European, 0.00017%; no homozygotes.

Submissions (3):

GeneDx
Classification: Likely pathogenic. Last evaluated: 2025-02-12. Review status: criteria provided, single submitter. Criteria: GeneDx Variant Classification Process June 2021. Collection method: clinical testing. Allele origin: germline. Affected: yes.
Comment: Observed with a second ABCA3 variant on the opposite allele (in trans) in a patient with neonatal interstitial lung disease in published literature; however, it is not clear if other genes were analyzed (PMID: 32800039); Nonsense variant predicted to result in protein truncation or nonsense mediated decay in a gene for which loss of function is a known mechanism of disease; Not observed at significant frequency in large population cohorts (gnomAD); This variant is associated with the following publications: (PMID: 32800039)

Myriad Genetics, Inc.
Classification: Pathogenic for Interstitial lung disease due to ABCA3 deficiency. Last evaluated: 2024-06-20. Review status: criteria provided, single submitter. Criteria: Myriad Autosomal Dominant, Autosomal Recessive and X-Linked Classification Criteria (2023). Collection method: clinical testing. Allele origin: unknown.
Comment: NM_001089.2(ABCA3):c.1890C>A(Y630*) is expected to be pathogenic in the context of surfactant deficiency, ABCA3-related. This variant is predicted to lead to an abnormal or absent protein product due to the creation of a premature termination codon in ABCA3, a gene where loss-of-function variants are known to be pathogenic. Please note: this variant was assessed in the context of healthy population screening.

Labcorp Genetics (formerly Invitae), Labcorp
Classification: Pathogenic. Last evaluated: 2024-01-10. Review status: criteria provided, single submitter. Criteria: Invitae Variant Classification Sherloc (09022015). Collection method: clinical testing. Allele origin: germline.
Comment: This sequence change creates a premature translational stop signal (p.Tyr630*) in the ABCA3 gene. It is expected to result in an absent or disrupted protein product. Loss-of-function variants in ABCA3 are known to be pathogenic (PMID: 27516224). This variant is not present in population databases (gnomAD no frequency). This premature translational stop signal has been observed in individual(s) with clinical features of a pulmonary disease (PMID: 32800039). For these reasons, this variant has been classified as Pathogenic.

Literature cited by the submitters: PubMed 27516224 (cited by Labcorp Genetics (formerly Invitae), Labcorp); PubMed 32800039 (cited by Labcorp Genetics (formerly Invitae), Labcorp).

NM_001089.3(ABCA3):c.1890C>A (p.Tyr630Ter)

Gene: ABCA3 (ATP binding cassette subfamily A member 3; minus strand). Cytogenetic location: 16p13.3.
Variant type: single nucleotide variant.
Coding change: c.1890C>A on transcript NM_001089.3 (MANE Select); coding-DNA position 1890, C replaced by A.
Protein change: p.Tyr630Ter; replaces tyrosine 630 with a stop codon.
Molecular consequence: nonsense.
Genome position (GRCh38, 1-based): chr16:2,298,392, G>T on the plus strand (C>A on the coding strand, the complement: ABCA3 is on the minus strand). VCF-style: chr16-2298392-G-T. GRCh37 (hg19) VCF-style: chr16-2348393-G-T.
Other names: c.1890C>A (NM_001089.2); short protein forms Y630*.
Identifiers: ClinVar variation 2780324 (VCV002780324.5), dbSNP rs572101154, ClinGen allele CA394332468.